The following is an entry in ClinVar:

ClinVar aggregate classification (germline): Uncertain significance (1 of 4 stars; one submission).

Submission:

GeneDx
Classification: Uncertain significance. Last evaluated: 2023-02-17. Review status: criteria provided, single submitter. Criteria: GeneDx Variant Classification Process June 2021. Collection method: clinical testing. Allele origin: germline. Affected: yes.
Comment: Not observed at significant frequency in large population cohorts (gnomAD); Nonsense variant predicted to result in protein truncation as the last 180 amino acids are lost, although loss-of-function variants have not been reported downstream of this position in the protein; Has not been previously published as pathogenic or benign to our knowledge

NM_004380.3(CREBBP):c.6787C>T (p.Gln2263Ter)

Gene: CREBBP (CREB binding protein; minus strand). Cytogenetic location: 16p13.3.
Variant type: single nucleotide variant.
Coding change: c.6787C>T on transcript NM_004380.3 (MANE Select); coding-DNA position 6787, C replaced by T.
Protein change: p.Gln2263Ter; replaces glutamine 2263 with a stop codon.
Molecular consequence: nonsense.
Genome position (GRCh38, 1-based): chr16:3,728,260, G>A on the plus strand (C>T on the coding strand, the complement: CREBBP is on the minus strand). VCF-style: chr16-3728260-G-A. GRCh37 (hg19) VCF-style: chr16-3778261-G-A.
Other names: c.6673C>T, p.Gln2225Ter (NM_001079846.1); short protein forms Q2225*, Q2263*.
Identifiers: ClinVar variation 2576898 (VCV002576898.1), dbSNP rs2151301477, ClinGen allele CA394551808.
Genomic context (GRCh38, chr16:3,728,260, plus strand): 5'-TGTCTGCCCCCAGCCCCGGCTGCCCCATCTGGCCAAGCTGTCCCATCTGAGCCGCCATCT[G>A]GCCCATGGAGCTGCCCTGGAGGGGGAGATGCTGCTGCATGCGCTGCTGCTGCTGCATGGC-3'